The following is an entry in ClinVar:

ClinVar aggregate classification (germline): Pathogenic/Likely pathogenic. Review status: criteria provided, multiple submitters, no conflicts (2 of 4 stars). 6 submissions from 6 submitters: Pathogenic (4); Likely pathogenic (1). 1 of the submissions does not count toward it. Last evaluated 2025-09-01.

Conditions:
Cardiomyopathy (CMYO). Also called: Cardiomyopathies. Identifiers: Orphanet 167848, MedGen C0878544, MONDO:0004994, HP:0001638. Inheritance: Various modes of inheritance.
Dilated cardiomyopathy 1FF (CMD1FF). Identifiers: Orphanet 154, MedGen C2750091, MONDO:0013211, OMIM 613286.
Primary dilated cardiomyopathy (DCM). Also called: Dilated Cardiomyopathy. Identifiers: Orphanet 217604, MedGen C0007193, MeSH D002311, MONDO:0005021, HP:0001644. Inheritance: Various modes of inheritance.
Hypertrophic cardiomyopathy. Also called: HYPERTROPHIC MYOCARDIOPATHY. Identifiers: Orphanet 217569, MedGen C0007194, MeSH D002312, MONDO:0005045, HP:0001639.

Submissions (6):

GeneDx
Classification: Pathogenic. Last evaluated: 2025-09-01. Review status: criteria provided, single submitter. Criteria: GeneDx Variant Classification Process June 2021. Collection method: clinical testing. Allele origin: germline. Affected: yes.
Comment: Not observed at significant frequency in large population cohorts (gnomAD); In silico analysis suggests that this missense variant does not alter protein structure/function; This variant is associated with the following publications: (PMID: 22464770, 34350506, 27532257, 24503780, 28973083, 34076677, 35288587, 35838873, 36129056, 38089682, 32458740)

Labcorp Genetics (formerly Invitae), Labcorp
Classification: Pathogenic for Hypertrophic cardiomyopathy. Last evaluated: 2022-01-05. Review status: criteria provided, single submitter. Criteria: Invitae Variant Classification Sherloc (09022015). Collection method: clinical testing. Allele origin: germline.
Comment: This sequence change replaces glutamic acid, which is acidic and polar, with lysine, which is basic and polar, at codon 182 of the TNNI3 protein (p.Glu182Lys). This variant is not present in population databases (gnomAD no frequency). This missense change has been observed in individual(s) with dilated cardiomyopathy (PMID: 22464770, 24503780, 27532257, 32458740). In at least one individual the variant was observed to be de novo. ClinVar contains an entry for this variant (Variation ID: 43392). Algorithms developed to predict the effect of missense changes on protein structure and function are either unavailable or do not agree on the potential impact of this missense change (SIFT: "Deleterious"; PolyPhen-2: "Benign"; Align-GVGD: "Class C15"). For these reasons, this variant has been classified as Pathogenic.

Institute of Human Genetics Munich, TUM University Hospital
Classification: Pathogenic for Dilated cardiomyopathy 1FF. Last evaluated: 2021-08-02. Review status: criteria provided, single submitter. Criteria: Classification criteria August 2017. Collection method: clinical testing. Allele origin: de novo. Inheritance: Autosomal dominant inheritance. Affected: yes. Observed: 1 variant allele.

CHEO Genetics Diagnostic Laboratory, Children's Hospital of Eastern Ontario
Classification: Likely pathogenic for Cardiomyopathy. Last evaluated: 2018-12-12. Review status: criteria provided, single submitter. Criteria: ACMG Guidelines, 2015. Collection method: clinical testing. Allele origin: germline.

Laboratory for Molecular Medicine, Mass General Brigham Personalized Medicine
Classification: Pathogenic for Primary dilated cardiomyopathy. Last evaluated: 2014-09-10. Review status: criteria provided, single submitter. Criteria: LMM Criteria. Collection method: clinical testing. Allele origin: germline. Inheritance: Autosomal dominant inheritance. Observed: 2 variant alleles.
Comment: In addit ion, it has not been identified in large population studies. Computational predi ction tools and conservation analysis do not provide strong support for or again st an impact to the protein. In summary, this variant meets our criteria to be c lassified as pathogenic based upon de novo occurrence in multiple cases.

Clinical Molecular Genetics Laboratory, Johns Hopkins All Children's Hospital
Classification: Likely pathogenic for Dilated cardiomyopathy. Last evaluated: 2015-10-12. Review status: no assertion criteria provided. Collection method: clinical testing. Allele origin: germline. Affected: yes. Not counted in ClinVar's aggregate classification.

Literature cited by the submitters: PubMed 22464770 (cited by Labcorp Genetics (formerly Invitae), Labcorp and Laboratory for Molecular Medicine, Mass General Brigham Personalized Medicine); PubMed 24503780 (cited by Labcorp Genetics (formerly Invitae), Labcorp and Laboratory for Molecular Medicine, Mass General Brigham Personalized Medicine); PubMed 27532257 (cited by Labcorp Genetics (formerly Invitae), Labcorp and Laboratory for Molecular Medicine, Mass General Brigham Personalized Medicine); PubMed 32458740 (cited by Labcorp Genetics (formerly Invitae), Labcorp).

NM_000363.5(TNNI3):c.544G>A (p.Glu182Lys)

Gene: TNNI3 (troponin I3, cardiac type; minus strand). Cytogenetic location: 19q13.42.
Variant type: single nucleotide variant.
Coding change: c.544G>A on transcript NM_000363.5 (MANE Select); coding-DNA position 544, G replaced by A.
Protein change: p.Glu182Lys; replaces glutamic acid 182 with lysine.
Molecular consequence: missense variant.
Genome position (GRCh38, 1-based): chr19:55,154,035, C>T on the plus strand (G>A on the coding strand, the complement: TNNI3 is on the minus strand). VCF-style: chr19-55154035-C-T. GRCh37 (hg19) VCF-style: chr19-55665403-C-T.
Other names: p.E182K:GAG>AAG; short protein forms E182K.
Identifiers: ClinVar variation 43392 (VCV000043392.14), dbSNP rs397516355, ClinGen allele CA021848.